The following is an entry in ClinVar:

ClinVar aggregate classification (germline): Likely benign. Review status: criteria provided, multiple submitters, no conflicts (2 of 4 stars). 4 submissions from 4 submitters: Likely benign (3). 1 of the submissions does not count toward it. Last evaluated 2026-01-20.

Conditions:
Ornithine aminotransferase deficiency (GACR). Also called: OKT DEFICIENCY; HYPERORNITHINEMIA WITH GYRATE ATROPHY OF CHOROID AND RETINA; OAT DEFICIENCY; Ornithine ketoacid aminotransferase deficiency; Gyrate atrophy; Gyrate atrophy of choroid and retina. Identifiers: Orphanet 414, MedGen C0018425, MONDO:0009796, OMIM 258870.
OAT-related disorder. Also called: OAT-related condition.

Allele frequency attached by ClinVar (database versions not stated): gnomAD below 0.00001 and 0.00018; TOPMed 0.00002; gnomAD exomes 0.00030 and 0.00061; ExAC 0.00074; 1000 Genomes Project 0.00180; 1000 Genomes Project 30x 0.00187.
gnomAD v4.1: 470 of 1,604,158 alleles (0.029%); highest among the groups gnomAD compares: South Asian, 0.47%; 9 homozygotes.

Submissions (4):

Labcorp Genetics (formerly Invitae), Labcorp
Classification: Likely benign for Ornithine aminotransferase deficiency. Last evaluated: 2026-01-20. Review status: criteria provided, single submitter. Criteria: Invitae Variant Classification Sherloc (09022015). Collection method: clinical testing. Allele origin: germline.

PreventionGenetics, part of Exact Sciences
Classification: Likely benign for OAT-related condition. Last evaluated: 2024-12-30. Review status: criteria provided, single submitter. Criteria: ACMG Guidelines, 2015. Collection method: clinical testing. Allele origin: germline.
Comment: This variant is classified as likely benign based on ACMG/AMP sequence variant interpretation guidelines (Richards et al. 2015 PMID: 25741868, with internal and published modifications).

Illumina Laboratory Services, Illumina
Classification: Likely benign for Ornithine aminotransferase deficiency. Last evaluated: 2018-01-12. Review status: criteria provided, single submitter. Criteria: ICSL Variant Classification Criteria 13 December 2019. Collection method: clinical testing. Allele origin: germline.
Comment: This variant was observed in the ICSL laboratory as part of a predisposition screen in an ostensibly healthy population. It had not been previously curated by ICSL or reported in the Human Gene Mutation Database (HGMD: prior to June 1st, 2018), and was therefore a candidate for classification through an automated scoring system. Utilizing variant allele frequency, disease prevalence and penetrance estimates, and inheritance mode, an automated score was calculated to assess if this variant is too frequent to cause the disease. Based on the score and internal cut-off values, a variant classified as likely benign is not then subjected to further curation. The score for this variant resulted in a classification of likely benign for this disease.

Natera, Inc.
Classification: Likely benign for Gyrate atrophy. Last evaluated: 2021-08-02. Review status: no assertion criteria provided. Collection method: clinical testing. Allele origin: germline. Not counted in ClinVar's aggregate classification.

NM_000274.4(OAT):c.1138A>G (p.Ile380Val)

Gene: OAT (ornithine aminotransferase; minus strand). Cytogenetic location: 10q26.13.
Variant type: single nucleotide variant.
Coding change: c.1138A>G on transcript NM_000274.4 (MANE Select); coding-DNA position 1138, A replaced by G.
Protein change: p.Ile380Val; replaces isoleucine 380 with valine.
Molecular consequence: missense variant.
Genome position (GRCh38, 1-based): chr10:124,400,861, T>C on the plus strand (A>G on the coding strand, the complement: OAT is on the minus strand). VCF-style: chr10-124400861-T-C. GRCh37 (hg19) VCF-style: chr10-126089430-T-C.
Other names: c.724A>G, p.Ile242Val (NM_001171814.2); c.1138A>G, p.Ile380Val (NM_001322965.2, NM_001322966.2, NM_001322967.2 and 3 more transcripts); c.817A>G, p.Ile273Val (NM_001322971.2); c.538A>G, p.Ile180Val (NM_001322974.2); short protein forms I180V, I242V, I380V, I273V.
Identifiers: ClinVar variation 705667 (VCV000705667.20), dbSNP rs545710763, ClinGen allele CA5733326.
Genomic context (GRCh38, chr10:124,400,861, plus strand): 5'-CTTAAAAAATTATCTTGAGTAAATGTTTTATCTCCATACCTTTGGTTTCTTTAATGACAA[T>C]AGCGTTTAATAATCCTTTTCCTCTTACGGCAGTTACAACATCAGAAGGTAGCTTCATGAG-3'
Protein context (NP_000265.1, residues 370-390): AVRGKGLLNA[Ile380Val]VIKETKDWDA